The following is an entry in ClinVar:

ClinVar aggregate classification (germline): Benign/Likely benign. Review status: criteria provided, multiple submitters, no conflicts (2 of 4 stars). 6 submissions from 6 submitters: Benign (1); Likely benign (4). 1 of the submissions does not count toward it. Last evaluated 2026-03-01.

Conditions:
Intellectual disability. Also called: Intellectual functioning disability; Intellectual developmental disorder; intellectual disabilities. Identifiers: MedGen C3714756, MeSH D008607, MONDO:0001071, HP:0001249.
WDR81-related disorder. Also called: WDR81-related condition.

Allele frequency attached by ClinVar (database versions not stated): 1000 Genomes Project 0.00200; 1000 Genomes Project 30x 0.00203; ESP Exome Variant Server 0.00215; TOPMed 0.00221; gnomAD 0.00260 and 0.00267; gnomAD exomes 0.00275; ExAC 0.00294.
gnomAD v4.1: 5,486 of 1,597,288 alleles (0.34%); highest among the groups gnomAD compares: South Asian, 0.58%; 16 homozygotes.

Submissions (6):

CeGaT Center for Human Genetics Tuebingen
Classification: Likely benign. Last evaluated: 2026-03-01. Review status: criteria provided, single submitter. Criteria: CeGaT Center For Human Genetics Tuebingen Variant Classification Criteria Version 2. Collection method: clinical testing. Allele origin: germline. Affected: yes. Observed: 22 variant alleles.
Comment: WDR81: BP4, BS2

Blueprint Genetics
Classification: Likely benign. Last evaluated: 2024-11-11. Review status: criteria provided, single submitter. Criteria: ACMG Guidelines, 2015. Collection method: clinical testing. Allele origin: germline.

Labcorp Genetics (formerly Invitae), Labcorp
Classification: Benign. Last evaluated: 2019-12-31. Review status: criteria provided, single submitter. Criteria: Invitae Variant Classification Sherloc (09022015). Collection method: clinical testing. Allele origin: germline.

Cambridge Genomics Laboratory, East Genomic Laboratory Hub, NHS Genomic Medicine Service
Classification: Likely benign for Intellectual disability. Last evaluated: 2019-02-20. Review status: criteria provided, single submitter. Criteria: ACGS Best Practice Guidelines for Variant Classification in Rare Disease 2020. Collection method: clinical testing. Allele origin: germline. Affected: yes. Observed: 1 variant allele.

Breakthrough Genomics
Classification: Likely benign. Review status: criteria provided, single submitter. Criteria: ACMG Guidelines, 2015. Collection method: not provided. Allele origin: germline. Inheritance: Autosomal recessive inheritance. Affected: yes.

PreventionGenetics, part of Exact Sciences
Classification: Likely benign for WDR81-related condition. Last evaluated: 2019-03-11. Review status: no assertion criteria provided. Collection method: clinical testing. Allele origin: germline. Not counted in ClinVar's aggregate classification.
Comment: This variant is classified as likely benign based on ACMG/AMP sequence variant interpretation guidelines (Richards et al. 2015 PMID: 25741868, with internal and published modifications).

NM_001163809.2(WDR81):c.4324-8G>A

Gene: WDR81 (WD repeat domain 81; plus strand). Cytogenetic location: 17p13.3.
Variant type: single nucleotide variant.
Coding change: c.4324-8G>A on transcript NM_001163809.2 (MANE Select); 8 bases into the intron before coding-DNA position 4324, G replaced by A.
Molecular consequence: intron variant.
Genome position (GRCh38, 1-based): chr17:1,732,658, G>A. VCF-style: chr17-1732658-G-A. GRCh37 (hg19) VCF-style: chr17-1635952-G-A.
Other names: c.1171-8G>A (NM_152348.4); c.715-8G>A (NM_001163673.2); c.643-8G>A (NM_001163811.2).
Identifiers: ClinVar variation 734276 (VCV000734276.49), dbSNP rs200150228, ClinGen allele CA8273536.
Genomic context (GRCh38, chr17:1,732,658, plus strand): 5'-GCGAGGACCAGGGTGGGCCAGGGTGGGAGCTGTGGACCCGGCTGACCCCCTGGGTGTCTT[G>A]CTCATAGGATCTGAAGCTGGACCCTGCGGGCCGTGGTGAGGGCCAGCTGCCACAGGTGGT-3'